The following is an entry in ClinVar:

ClinVar aggregate classification (germline): Uncertain significance. Review status: criteria provided, single submitter (1 of 4 stars). 2 submissions from 2 submitters: Uncertain significance (1). 1 of the submissions does not count toward it. Last evaluated 2018-04-25.

Conditions:
Primary ciliary dyskinesia. Also called: Ciliary dyskinesia. Identifiers: Orphanet 244, MedGen C0008780, MONDO:0016575, HP:0012265.
DNAH8-related disorder. Also called: DNAH8-related condition.

Allele frequency attached by ClinVar (database versions not stated): gnomAD exomes below 0.00001; gnomAD 0.00001; TOPMed 0.00002.
gnomAD v4.1: 3 of 1,612,760 alleles (0.00019%); highest among the groups gnomAD compares: Non-Finnish European, 0.00025%; no homozygotes.

Submissions (2):

Labcorp Genetics (formerly Invitae), Labcorp
Classification: Uncertain significance for Primary ciliary dyskinesia. Last evaluated: 2018-04-25. Review status: criteria provided, single submitter. Criteria: Invitae Variant Classification Sherloc (09022015). Collection method: clinical testing. Allele origin: germline.
Comment: This variant is not present in population databases (ExAC no frequency). This sequence change replaces glutamic acid with glutamine at codon 1514 of the DNAH8 protein (p.Glu1514Gln). The glutamic acid residue is highly conserved and there is a small physicochemical difference between glutamic acid and glutamine. This variant has not been reported in the literature in individuals with DNAH8-related disease. Algorithms developed to predict the effect of missense changes on protein structure and function do not agree on the potential impact of this missense change (SIFT: "Deleterious"; Align-GVGD: "Class C0"). In summary, the available evidence is currently insufficient to determine the role of this variant in disease. Therefore, it has been classified as a Variant of Uncertain Significance.

PreventionGenetics, part of Exact Sciences
Classification: Uncertain significance for DNAH8-related condition. Last evaluated: 2024-02-07. Review status: no assertion criteria provided. Collection method: clinical testing. Allele origin: germline. Not counted in ClinVar's aggregate classification.
Comment: The DNAH8 c.4540G>C variant is predicted to result in the amino acid substitution p.Glu1514Gln. To our knowledge, this variant has not been reported in the literature. This variant is reported in 0.00088% of alleles in individuals of European (Non-Finnish) descent in gnomAD. At this time, the clinical significance of this variant is uncertain due to the absence of conclusive functional and genetic evidence.

NM_001206927.2(DNAH8):c.4540G>C (p.Glu1514Gln)

Gene: DNAH8 (dynein axonemal heavy chain 8; plus strand). Cytogenetic location: 6p21.2.
Variant type: single nucleotide variant.
Coding change: c.4540G>C on transcript NM_001206927.2 (MANE Select); coding-DNA position 4540, G replaced by C.
Protein change: p.Glu1514Gln; replaces glutamic acid 1514 with glutamine.
Molecular consequence: missense variant.
Genome position (GRCh38, 1-based): chr6:38,842,441, G>C. VCF-style: chr6-38842441-G-C. GRCh37 (hg19) VCF-style: chr6-38810217-G-C.
Other names: c.3889G>C, p.Glu1297Gln (NM_001371.4); short protein forms E1514Q, E1297Q.
Identifiers: ClinVar variation 566110 (VCV000566110.11), dbSNP rs1407889028, ClinGen allele CA364002811.